The following is an entry in ClinVar:

ClinVar aggregate classification (germline): Uncertain significance (1 of 4 stars; one submission).

Conditions:
Kabuki syndrome. Also called: Kabuki make-up syndrome; NIIKAWA-KUROKI SYNDROME. Identifiers: Orphanet 2322, MedGen C0796004, MONDO:0016512.

Submission:

Labcorp Genetics (formerly Invitae), Labcorp
Classification: Uncertain significance for Kabuki syndrome. Last evaluated: 2023-08-17. Review status: criteria provided, single submitter. Criteria: Invitae Variant Classification Sherloc (09022015). Collection method: clinical testing. Allele origin: germline.
Comment: Advanced modeling of protein sequence and biophysical properties (such as structural, functional, and spatial information, amino acid conservation, physicochemical variation, residue mobility, and thermodynamic stability) performed at Invitae indicates that this missense variant is not expected to disrupt KMT2D protein function. In summary, the available evidence is currently insufficient to determine the role of this variant in disease. Therefore, it has been classified as a Variant of Uncertain Significance. This variant has not been reported in the literature in individuals affected with KMT2D-related conditions. This sequence change replaces valine, which is neutral and non-polar, with isoleucine, which is neutral and non-polar, at codon 4358 of the KMT2D protein (p.Val4358Ile). This variant is not present in population databases (gnomAD no frequency).

NM_003482.4(KMT2D):c.13072G>A (p.Val4358Ile)

Gene: KMT2D (lysine methyltransferase 2D; minus strand). Cytogenetic location: 12q13.12.
Variant type: single nucleotide variant.
Coding change: c.13072G>A on transcript NM_003482.4 (MANE Select); coding-DNA position 13072, G replaced by A.
Protein change: p.Val4358Ile; replaces valine 4358 with isoleucine.
Molecular consequence: missense variant.
Genome position (GRCh38, 1-based): chr12:49,031,633, C>T on the plus strand (G>A on the coding strand, the complement: KMT2D is on the minus strand). VCF-style: chr12-49031633-C-T. GRCh37 (hg19) VCF-style: chr12-49425416-C-T.
Other names: short protein forms V4358I.
Identifiers: ClinVar variation 2808734 (VCV002808734.3), dbSNP rs1293914241, ClinGen allele CA384707618.